The following is an entry in ClinVar:

NM_001130438.3(SPTAN1):c.503A>G (p.Lys168Arg)

Gene: SPTAN1 (spectrin alpha, non-erythrocytic 1; plus strand). Cytogenetic location: 9q34.11.
Variant type: single nucleotide variant.
Coding change: c.503A>G on transcript NM_001130438.3 (MANE Select); coding-DNA position 503, A replaced by G.
Protein change: p.Lys168Arg; replaces lysine 168 with arginine.
Molecular consequence: missense variant.
Genome position (GRCh38, 1-based): chr9:128,574,814, A>G. VCF-style: chr9-128574814-A-G. GRCh37 (hg19) VCF-style: chr9-131337093-A-G.
Other names: c.503A>G, p.Lys168Arg (NM_001195532.2, NM_001363759.2, NM_001363765.2 and 5 more transcripts); c.539A>G, p.Lys180Arg (NM_001375312.2, NM_001375318.1); short protein forms K168R, K180R.
Identifiers: ClinVar variation 3903040 (VCV003903040.1).
Genomic context (GRCh38, chr9:128,574,814, plus strand): 5'-CCCAGAAGTTGGTGCAGTACTTACGAGAATGTGAGGACGTGATGGACTGGATCAATGACA[A>G]GGCACGTTTTGGGAAGAAGGGTTTGCTAAGCTTTACTCAAAGAAAAGGGAAGAGACTCCT-3'
Protein context (NP_001123910.1, residues 158-178): CEDVMDWIND[Lys168Arg]EAIVTSEELG

ClinVar aggregate classification (germline): Uncertain significance (1 of 4 stars; one submission).

Submission:

GeneDx
Classification: Uncertain significance. Last evaluated: 2024-12-15. Review status: criteria provided, single submitter. Criteria: GeneDx Variant Classification Process June 2021. Collection method: clinical testing. Allele origin: germline. Affected: yes.
Comment: Not observed at significant frequency in large population cohorts (gnomAD); In silico analysis supports a deleterious effect on splicing; In silico analysis indicates that this missense variant does not alter protein structure/function; Has not been previously published as pathogenic or benign to our knowledge